The following is an entry in ClinVar:

ClinVar aggregate classification (germline): Uncertain significance. Review status: criteria provided, multiple submitters, no conflicts (2 of 4 stars). 2 submissions from 2 submitters: Uncertain significance (2). Last evaluated 2024-10-20.

Conditions:
Regressive spondylometaphyseal dysplasia. Also called: PELGER-HUET ANOMALY WITH MILD SKELETAL ANOMALIES. Identifiers: Orphanet 448267, MedGen C4747922, MONDO:0018663, OMIM 618019.
Greenberg dysplasia (GRBGD). Also called: HEM SKELETAL DYSPLASIA; MOTH-EATEN SKELETAL DYSPLASIA; CHONDRODYSTROPHY, HYDROPIC AND PRENATALLY LETHAL TYPE. Identifiers: Orphanet 1426, MedGen C2931048, MONDO:0008974, OMIM 215140.
Reynolds syndrome. Also called: PRIMARY BILIARY CIRRHOSIS, SCLERODERMA, RAYNAUD DISEASE, AND TELANGIECTASIA. Identifiers: Orphanet 779, MedGen C0748397, MONDO:0013276, OMIM 613471.
Pelger-Huët anomaly (PHA). Also called: Pelger-Huet Anomaly. Identifiers: MedGen C0030779, MONDO:0008214, OMIM 169400.

gnomAD v4.1: 46 of 1,612,608 alleles (0.0029%); highest among the groups gnomAD compares: African/African-American, 0.004%; no homozygotes.

Submissions (2):

Labcorp Genetics (formerly Invitae), Labcorp
Classification: Uncertain significance. Last evaluated: 2024-10-20. Review status: criteria provided, single submitter. Criteria: Invitae Variant Classification Sherloc (09022015). Collection method: clinical testing. Allele origin: germline.
Comment: This sequence change replaces tyrosine, which is neutral and polar, with cysteine, which is neutral and slightly polar, at codon 366 of the LBR protein (p.Tyr366Cys). This variant is present in population databases (rs760213489, gnomAD 0.005%). This variant has not been reported in the literature in individuals affected with LBR-related conditions. Invitae Evidence Modeling of protein sequence and biophysical properties (such as structural, functional, and spatial information, amino acid conservation, physicochemical variation, residue mobility, and thermodynamic stability) has been performed for this missense variant. However, the output from this modeling did not meet the statistical confidence thresholds required to predict the impact of this variant on LBR protein function. In summary, the available evidence is currently insufficient to determine the role of this variant in disease. Therefore, it has been classified as a Variant of Uncertain Significance.

Department of Pathology and Laboratory Medicine, Sinai Health System
Classification: Uncertain significance for Pelger-Huët anomaly; Greenberg dysplasia; Reynolds syndrome; Regressive spondylometaphyseal dysplasia. Last evaluated: 2021-07-30. Review status: criteria provided, single submitter. Criteria: ACMG Guidelines, 2015. Collection method: research. Allele origin: germline.

NM_002296.4(LBR):c.1097A>G (p.Tyr366Cys)

Gene: LBR (lamin B receptor; minus strand). Cytogenetic location: 1q42.12.
Variant type: single nucleotide variant.
Coding change: c.1097A>G on transcript NM_002296.4 (MANE Select); coding-DNA position 1097, A replaced by G.
Protein change: p.Tyr366Cys; replaces tyrosine 366 with cysteine.
Molecular consequence: missense variant.
Genome position (GRCh38, 1-based): chr1:225,411,428, T>C on the plus strand (A>G on the coding strand, the complement: LBR is on the minus strand). VCF-style: chr1-225411428-T-C. GRCh37 (hg19) VCF-style: chr1-225599130-T-C.
Other names: c.1097A>G, p.Tyr366Cys (NM_194442.3); short protein forms Y366C.
Identifiers: ClinVar variation 3672644 (VCV003672644.3).